The following is an entry in ClinVar:

ClinVar aggregate classification (germline): Uncertain significance (1 of 4 stars; one submission).

Conditions:
Adams-Oliver syndrome 5 (AOS5). Identifiers: Orphanet 974, MedGen C4014970, MONDO:0014459, OMIM 616028.

Submission:

Labcorp Genetics (formerly Invitae), Labcorp
Classification: Uncertain significance for Adams-Oliver syndrome 5. Last evaluated: 2023-11-17. Review status: criteria provided, single submitter. Criteria: Invitae Variant Classification Sherloc (09022015). Collection method: clinical testing. Allele origin: germline.
Comment: This sequence change replaces proline, which is neutral and non-polar, with arginine, which is basic and polar, at codon 1086 of the NOTCH1 protein (p.Pro1086Arg). This variant is not present in population databases (gnomAD no frequency). This variant has not been reported in the literature in individuals affected with NOTCH1-related conditions. Advanced modeling of protein sequence and biophysical properties (such as structural, functional, and spatial information, amino acid conservation, physicochemical variation, residue mobility, and thermodynamic stability) performed at Invitae indicates that this missense variant is not expected to disrupt NOTCH1 protein function with a negative predictive value of 80%. In summary, the available evidence is currently insufficient to determine the role of this variant in disease. Therefore, it has been classified as a Variant of Uncertain Significance.

NM_017617.5(NOTCH1):c.3257C>G (p.Pro1086Arg)

Gene: NOTCH1 (notch receptor 1; minus strand). Cytogenetic location: 9q34.3.
Variant type: single nucleotide variant.
Coding change: c.3257C>G on transcript NM_017617.5 (MANE Select); coding-DNA position 3257, C replaced by G.
Protein change: p.Pro1086Arg; replaces proline 1086 with arginine.
Molecular consequence: missense variant.
Genome position (GRCh38, 1-based): chr9:136,508,300, G>C on the plus strand (C>G on the coding strand, the complement: NOTCH1 is on the minus strand). VCF-style: chr9-136508300-G-C. GRCh37 (hg19) VCF-style: chr9-139402752-G-C.
Other names: short protein forms P1086R.
Identifiers: ClinVar variation 2696708 (VCV002696708.3), dbSNP rs1843122298, ClinGen allele CA375552106.